The following is an entry in ClinVar:

NM_007259.5(VPS45):c.1535A>G (p.Tyr512Cys)

Gene: VPS45 (vacuolar protein sorting 45 homolog; plus strand). Cytogenetic location: 1q21.2.
Variant type: single nucleotide variant.
Coding change: c.1535A>G on transcript NM_007259.5 (MANE Select); coding-DNA position 1535, A replaced by G.
Protein change: p.Tyr512Cys; replaces tyrosine 512 with cysteine.
Molecular consequence: missense variant. On other transcripts: non-coding transcript variant (1).
Genome position (GRCh38, 1-based): chr1:150,110,537, A>G. VCF-style: chr1-150110537-A-G. GRCh37 (hg19) VCF-style: chr1-150082652-A-G.
Other names: c.1220A>G, p.Tyr407Cys (NM_001279353.2); c.1427A>G, p.Tyr476Cys (NM_001279354.2); short protein forms Y512C, Y407C, Y476C.
Identifiers: ClinVar variation 626050 (VCV000626050.2), dbSNP rs782797599, ClinGen allele CA1073444.
Genomic context (GRCh38, chr1:150,110,537, plus strand): 5'-TCATTCTTCATTATTGCAGACCTCAGGATATCATTGTGTTTGTAATTGGAGGAGCCACCT[A>G]TGAAGAGGCTCTAACAGTTTATAACCTGAACCGCACCACTCCTGGAGTGAGGATTGTCCT-3'
Protein context (NP_009190.2, residues 502-522): IIVFVIGGAT[Tyr512Cys]EEALTVYNLN

ClinVar aggregate classification (germline): Uncertain significance (1 of 4 stars; one submission).

Conditions:
Congenital neutropenia-myelofibrosis-nephromegaly syndrome. Also called: Severe congenital neutropenia 5, autosomal recessive. Identifiers: Orphanet 369852, MedGen C3809031, MONDO:0014118, OMIM 615285.

Allele frequency attached by ClinVar (database versions not stated): gnomAD exomes below 0.00001 and 0.00001; ExAC 0.00001; gnomAD 0.00001; TOPMed 0.00002.
gnomAD v4.1: 6 of 1,613,512 alleles (0.00037%); highest among the groups gnomAD compares: East Asian, 0.0045%; no homozygotes.

Submission:

Center for Genomics, Ann and Robert H. Lurie Children's Hospital of Chicago
Classification: Uncertain significance for Congenital neutropenia-myelofibrosis-nephromegaly syndrome. Last evaluated: 2021-03-30. Review status: criteria provided, single submitter. Criteria: ACMG Guidelines, 2015. Collection method: clinical testing. Allele origin: germline.
Comment: VPS45 NM_007259.4 exon 14 p.Tyr512Cys (c.1535A>G): This variant has not been reported in the literature but is present in 1/111598 European alleles in the Genome Aggregation Database. Evolutionary conservation and computational predictive tools suggest that this variant may impact the protein. In summary, data on this variant is insufficient for disease classification. Therefore, the clinical significance of this variant is uncertain.